The following is an entry in ClinVar:

ClinVar aggregate classification (germline): Uncertain significance. Review status: criteria provided, multiple submitters, no conflicts (2 of 4 stars). 2 submissions from 2 submitters: Uncertain significance (2). Last evaluated 2024-11-23.

Conditions:
Baller-Gerold syndrome (BGS). Also called: CRANIOSYNOSTOSIS WITH RADIAL DEFECTS. Identifiers: Orphanet 1225, MedGen C0265308, MONDO:0009039, OMIM 218600.
Inborn genetic diseases. Identifiers: MedGen C0950123, MeSH D030342.

Allele frequency attached by ClinVar (database versions not stated): gnomAD exomes below 0.00001 and 0.00001; ExAC 0.00001; gnomAD 0.00001; TOPMed 0.00001; 1000 Genomes Project 30x 0.00016; 1000 Genomes Project 0.00020.

Submissions (2):

Ambry Genetics
Classification: Uncertain significance for Inborn genetic diseases. Last evaluated: 2024-11-23. Review status: criteria provided, single submitter. Criteria: Ambry Variant Classification Scheme 2023. Collection method: clinical testing. Allele origin: germline.
Comment: The p.R347C variant (also known as c.1039C>T), located in coding exon 5 of the RECQL4 gene, results from a C to T substitution at nucleotide position 1039. The arginine at codon 347 is replaced by cysteine, an amino acid with highly dissimilar properties. This amino acid position is conserved. In addition, this alteration is predicted to be tolerated by in silico analysis. Based on the available evidence, the clinical significance of this variant remains unclear.

Labcorp Genetics (formerly Invitae), Labcorp
Classification: Uncertain significance for Baller-Gerold syndrome. Last evaluated: 2023-11-08. Review status: criteria provided, single submitter. Criteria: Invitae Variant Classification Sherloc (09022015). Collection method: clinical testing. Allele origin: germline.
Comment: This sequence change replaces arginine, which is basic and polar, with cysteine, which is neutral and slightly polar, at codon 347 of the RECQL4 protein (p.Arg347Cys). This variant is present in population databases (rs534507419, gnomAD 0.003%). This variant has not been reported in the literature in individuals affected with RECQL4-related conditions. ClinVar contains an entry for this variant (Variation ID: 642952). Advanced modeling of protein sequence and biophysical properties (such as structural, functional, and spatial information, amino acid conservation, physicochemical variation, residue mobility, and thermodynamic stability) performed at Invitae indicates that this missense variant is not expected to disrupt RECQL4 protein function with a negative predictive value of 80%. In summary, the available evidence is currently insufficient to determine the role of this variant in disease. Therefore, it has been classified as a Variant of Uncertain Significance.

NM_004260.4(RECQL4):c.1039C>T (p.Arg347Cys)

Gene: RECQL4 (RecQ like helicase 4; minus strand). Cytogenetic location: 8q24.3.
Variant type: single nucleotide variant.
Coding change: c.1039C>T on transcript NM_004260.4 (MANE Select); coding-DNA position 1039, C replaced by T.
Protein change: p.Arg347Cys; replaces arginine 347 with cysteine.
Molecular consequence: missense variant.
Genome position (GRCh38, 1-based): chr8:144,516,080, G>A on the plus strand (C>T on the coding strand, the complement: RECQL4 is on the minus strand). VCF-style: chr8-144516080-G-A. GRCh37 (hg19) VCF-style: chr8-145741464-G-A.
Other names: short protein forms R347C.
Identifiers: ClinVar variation 642952 (VCV000642952.8), dbSNP rs534507419, ClinGen allele CA4949103.